The following is an entry in ClinVar:

NM_000053.4(ATP7B):c.3449del (p.Asn1150fs)

Gene: ATP7B (ATPase copper transporting beta; minus strand). Cytogenetic location: 13q14.3.
Variant type: Deletion.
Coding change: c.3449del on transcript NM_000053.4 (MANE Select); coding-DNA position 3449, one base deleted (A; older notation c.3449delA).
Protein change: p.Asn1150fs; shifts the reading frame from asparagine 1150.
Molecular consequence: frameshift variant.
Genome position (GRCh38, 1-based): chr13:51,941,188, T deleted on the plus strand (A on the coding strand, the reverse complement: ATP7B is on the minus strand); the first of 3 consecutive T bases (chr13:51,941,188-51,941,190); deleting any one gives the same sequence. VCF-style (leftmost placement, unchanged base first): chr13-51941187-GT-G. GRCh37 (hg19) VCF-style: chr13-52515323-GT-G.
Other names: c.2828del, p.Asn943fs (NM_001005918.3); c.3116del, p.Asn1039fs (NM_001243182.2); c.3215del, p.Asn1072fs (NM_001330578.2); c.3197del, p.Asn1066fs (NM_001330579.2); short protein forms N1039fs, N1072fs, N1066fs, N943fs, N1150fs.
Identifiers: ClinVar variation 526656 (VCV000526656.12), dbSNP rs1555285380, ClinGen allele CA658798148.

ClinVar aggregate classification (germline): Pathogenic. Review status: criteria provided, multiple submitters, no conflicts (2 of 4 stars). 4 submissions from 4 submitters: Pathogenic (3). 1 of the submissions does not count toward it. Last evaluated 2026-01-21.

Conditions:
Wilson disease (WND). Also called: Wilson's disease. Identifiers: Orphanet 905, MedGen C0019202, MONDO:0010200, OMIM 277900. Disease mechanism: loss of function.

Submissions (4):

Labcorp Genetics (formerly Invitae), Labcorp
Classification: Pathogenic for Wilson disease. Last evaluated: 2026-01-21. Review status: criteria provided, single submitter. Criteria: Invitae Variant Classification Sherloc (09022015). Collection method: clinical testing. Allele origin: germline.
Comment: This sequence change creates a premature translational stop signal (p.Asn1150Thrfs*5) in the ATP7B gene. It is expected to result in an absent or disrupted protein product. Loss-of-function variants in ATP7B are known to be pathogenic (PMID: 10441329, 16283883). This variant is not present in population databases (gnomAD no frequency). This premature translational stop signal has been observed in individual(s) with Wilson disease (PMID: 10502777, 15024742). This variant is also known as c.3447delA. ClinVar contains an entry for this variant (Variation ID: 526656). For these reasons, this variant has been classified as Pathogenic.

All of Us Research Program, National Institutes of Health
Classification: Pathogenic for Wilson disease. Last evaluated: 2024-04-16. Review status: criteria provided, single submitter. Criteria: ACMG Guidelines, 2015. Collection method: clinical testing. Allele origin: germline. Inheritance: Autosomal recessive inheritance. Observed: 1 variant allele, 1 heterozygote.
Comment: This variant deletes 1 nucleotide in exon 16/21 of the ATP7B gene, creating a frameshift and premature translation stop signal. This variant is expected to result in an absent or non-functional protein product. This variant has been reported in individuals affected with Wilson disease (PMID: 10502777, 15024742, 18371106). This variant has not been identified in the general population by the Genome Aggregation Database (gnomAD). Loss of ATP7B function is a known mechanism of disease. Based on the available evidence, this variant is classified as Pathogenic.

This study involves interpretation of variants in research participants for the purpose of population health screening. Participant phenotype was not available at the time of variant classification. Additional details can be found in publication PMID: 35346344, PMCID: PMC8962531

Genome-Nilou Lab
Classification: Pathogenic for Wilson disease. Last evaluated: 2021-08-10. Review status: criteria provided, single submitter. Criteria: ACMG Guidelines, 2015. Collection method: clinical testing. Allele origin: germline. Affected: no.

Counsyl
Classification: Likely pathogenic for Wilson disease. Last evaluated: 2017-05-09. Review status: no assertion criteria provided. Collection method: clinical testing. Allele origin: unknown. Not counted in ClinVar's aggregate classification.

Literature cited by the submitters: PubMed 10441329 (cited by Labcorp Genetics (formerly Invitae), Labcorp); PubMed 16283883 (cited by Labcorp Genetics (formerly Invitae), Labcorp); PubMed 10502777 (cited by 3 submitters); PubMed 15024742 (cited by Labcorp Genetics (formerly Invitae), Labcorp and All of Us Research Program, National Institutes of Health); PubMed 18371106 (cited by All of Us Research Program, National Institutes of Health and Counsyl); PubMed 23982005 (cited by Counsyl).